The following is an entry in ClinVar:

ClinVar aggregate classification (germline): Uncertain significance (1 of 4 stars; one submission).

Submission:

Labcorp Genetics (formerly Invitae), Labcorp
Classification: Uncertain significance. Last evaluated: 2022-05-04. Review status: criteria provided, single submitter. Criteria: Invitae Variant Classification Sherloc (09022015). Collection method: clinical testing. Allele origin: germline.
Comment: This sequence change falls in intron 49 of the COL7A1 gene. It does not directly change the encoded amino acid sequence of the COL7A1 protein. This variant is not present in population databases (gnomAD no frequency). This variant has not been reported in the literature in individuals affected with COL7A1-related conditions. Algorithms developed to predict the effect of sequence changes on RNA splicing suggest that this variant may create or strengthen a splice site. In summary, the available evidence is currently insufficient to determine the role of this variant in disease. Therefore, it has been classified as a Variant of Uncertain Significance.

NM_000094.4(COL7A1):c.4782+10T>G

Gene: COL7A1 (collagen type VII alpha 1 chain; minus strand). Cytogenetic location: 3p21.31.
Variant type: single nucleotide variant.
Coding change: c.4782+10T>G on transcript NM_000094.4 (MANE Select); 10 bases into the intron after coding-DNA position 4782, T replaced by G.
Molecular consequence: intron variant.
Genome position (GRCh38, 1-based): chr3:48,581,563, A>C on the plus strand (T>G on the coding strand, the complement: COL7A1 is on the minus strand). VCF-style: chr3-48581563-A-C. GRCh37 (hg19) VCF-style: chr3-48618996-A-C.
Identifiers: ClinVar variation 2133480 (VCV002133480.1), dbSNP rs1419914108, ClinGen allele CA2580069994.
Genomic context (GRCh38, chr3:48,581,563, plus strand): 5'-GGCAGGACTTAGTCAGGGTCCCACCACCTCATCTCCCTCTGTCACACTCCCCATTCCCAC[A>C]TTGATTCACCCGGTCTCCAGGGTCTCCCTTGGGGCCAGGGTCTCCAGGAAGAACCAAGCC-3'